The following is an entry in ClinVar:

NM_002227.4(JAK1):c.247G>A (p.Glu83Lys)

Gene: JAK1 (Janus kinase 1; minus strand). Cytogenetic location: 1p31.3.
Variant type: single nucleotide variant.
Coding change: c.247G>A on transcript NM_002227.4 (MANE Select); coding-DNA position 247, G replaced by A.
Protein change: p.Glu83Lys; replaces glutamic acid 83 with lysine.
Molecular consequence: missense variant.
Genome position (GRCh38, 1-based): chr1:64,879,107, C>T on the plus strand (G>A on the coding strand, the complement: JAK1 is on the minus strand). VCF-style: chr1-64879107-C-T. GRCh37 (hg19) VCF-style: chr1-65344790-C-T.
Other names: c.247G>A, p.Glu83Lys (NM_001320923.2, NM_001321852.2, NM_001321853.2 and 4 more transcripts); c.247G>A (NM_002227.3); short protein forms E83K.
Identifiers: ClinVar variation 1368994 (VCV001368994.7), dbSNP rs770735783, ClinGen allele CA893205.

ClinVar aggregate classification (germline): Uncertain significance. Review status: criteria provided, multiple submitters, no conflicts (2 of 4 stars). 2 submissions from 2 submitters: Uncertain significance (2). Last evaluated 2023-01-01.

Conditions:
JAK1-related disorder. Also called: JAK1-related condition.

Allele frequency attached by ClinVar (database versions not stated): ExAC 0.00001; gnomAD 0.00001; gnomAD exomes 0.00001.
gnomAD v4.1: 15 of 1,613,654 alleles (0.00093%); highest among the groups gnomAD compares: Admixed American, 0.0017%; no homozygotes.

Submissions (2):

Labcorp Genetics (formerly Invitae), Labcorp
Classification: Uncertain significance. Last evaluated: 2023-01-01. Review status: criteria provided, single submitter. Criteria: Invitae Variant Classification Sherloc (09022015). Collection method: clinical testing. Allele origin: germline.
Comment: This sequence change replaces glutamic acid, which is acidic and polar, with lysine, which is basic and polar, at codon 83 of the JAK1 protein (p.Glu83Lys). This variant is present in population databases (rs770735783, gnomAD 0.002%). This variant has not been reported in the literature in individuals affected with JAK1-related conditions. ClinVar contains an entry for this variant (Variation ID: 1368994). Advanced modeling of protein sequence and biophysical properties (such as structural, functional, and spatial information, amino acid conservation, physicochemical variation, residue mobility, and thermodynamic stability) performed at Invitae indicates that this missense variant is not expected to disrupt JAK1 protein function. In summary, the available evidence is currently insufficient to determine the role of this variant in disease. Therefore, it has been classified as a Variant of Uncertain Significance.

PreventionGenetics, part of Exact Sciences
Classification: Uncertain significance for JAK1-related condition. Last evaluated: 2022-11-14. Review status: criteria provided, single submitter. Criteria: ACMG Guidelines, 2015. Collection method: clinical testing. Allele origin: germline.
Comment: The JAK1 c.247G>A variant is predicted to result in the amino acid substitution p.Glu83Lys. To our knowledge, this variant has not been reported in the literature. This variant is reported in 0.0018% of alleles in individuals of European (Non-Finnish) descent in gnomAD. At this time, the clinical significance of this variant is uncertain due to the absence of conclusive functional and genetic evidence.